The following is an entry in ClinVar:

NM_014946.4(SPAST):c.1710G>T (p.Lys570Asn)

Gene: SPAST (spastin; plus strand). Cytogenetic location: 2p22.3.
Variant type: single nucleotide variant.
Coding change: c.1710G>T on transcript NM_014946.4 (MANE Select); coding-DNA position 1710, G replaced by T.
Protein change: p.Lys570Asn; replaces lysine 570 with asparagine.
Molecular consequence: missense variant. On other transcripts: nonsense (1).
Genome position (GRCh38, 1-based): chr2:32,147,240, G>T. VCF-style: chr2-32147240-G-T. GRCh37 (hg19) VCF-style: chr2-32372309-G-T.
Other names: c.1707G>T, p.Lys569Asn (NM_001363823.2); c.1611G>T, p.Lys537Asn (NM_001363875.2); c.1543G>T, p.Glu515Ter (NM_001377959.1); c.1614G>T, p.Lys538Asn (NM_199436.2); short protein forms E515*, K537N, K538N, K569N, K570N.
Identifiers: ClinVar variation 1879461 (VCV001879461.29), dbSNP rs2465917047, ClinGen allele CA346504356.

ClinVar aggregate classification (germline): Likely pathogenic (1 of 4 stars; one submission).

Submission:

CeGaT Center for Human Genetics Tuebingen
Classification: Likely pathogenic. Last evaluated: 2022-12-01. Review status: criteria provided, single submitter. Criteria: CeGaT Center For Human Genetics Tuebingen Variant Classification Criteria Version 2. Collection method: clinical testing. Allele origin: germline. Affected: yes. Observed: 1 variant allele.
Comment: SPAST: PM2, PM5, PP2, PP3, PP4